The following is an entry in ClinVar:

NM_001256627.2(BRSK2):c.1939+276C>T

Gene: BRSK2 (BR serine/threonine kinase 2; plus strand). Cytogenetic location: 11p15.5.
Variant type: single nucleotide variant.
Coding change: c.1939+276C>T on transcript NM_001256627.2 (MANE Select); 276 bases into the intron after coding-DNA position 1939, C replaced by T.
Molecular consequence: intron variant. On other transcripts: missense variant (2), non-coding transcript variant (1).
Genome position (GRCh38, 1-based): chr11:1,456,963, C>T. VCF-style: chr11-1456963-C-T. GRCh37 (hg19) VCF-style: chr11-1478193-C-T.
Other names: c.1948C>T, p.Pro650Ser (NM_001256629.2); c.1768C>T, p.Pro590Ser (NM_001282218.2); c.2371+276C>T (NM_001440665.1); c.2005+276C>T (NM_001440668.1, NM_001440670.1); c.2305+276C>T (NM_001440666.1); c.1939+276C>T (NM_003957.4); c.1759+276C>T (NM_001440674.1, NM_001440669.1, NM_001440673.1 and 2 more transcripts); c.1825+276C>T (NM_001440671.1, NM_001440672.1); and 1 more; short protein forms P590S, P650S.
Identifiers: ClinVar variation 4980235 (VCV004980235.1).

ClinVar aggregate classification (germline): Uncertain significance (1 of 4 stars; one submission).

Conditions:
BRSK2-related disorder. Also called: BRSK2-related condition; BRSK2-Related Disorders.

gnomAD v4.1: 46 of 1,597,300 alleles (0.0029%); highest among the groups gnomAD compares: Non-Finnish European, 0.0037%; no homozygotes.

Submission:

PreventionGenetics, part of Exact Sciences
Classification: Uncertain significance for BRSK2-related condition. Last evaluated: 2026-06-27. Review status: criteria provided, single submitter. Criteria: ACMG Guidelines, 2015. Collection method: clinical testing. Allele origin: germline.
Comment: The BRSK2 c.1948C>T variant is predicted to result in the amino acid substitution p.Pro650Ser. To our knowledge, this variant has not been reported in the literature. This variant is reported in 0.0029% of alleles in individuals of European (Non-Finnish) descent in gnomAD. At this time, the clinical significance of this variant is uncertain due to the absence of conclusive functional and genetic evidence.